The following is an entry in ClinVar:

NM_001042492.3(NF1):c.4195del (p.Gln1399fs)

Gene: NF1 (neurofibromin 1; plus strand). Cytogenetic location: 17q11.2.
Variant type: Deletion.
Coding change: c.4195del on transcript NM_001042492.3 (MANE Select); coding-DNA position 4195, one base deleted (C; older notation c.4195delC).
Protein change: p.Gln1399fs; shifts the reading frame from glutamine 1399.
Molecular consequence: frameshift variant.
Genome position (GRCh38, 1-based): chr17:31,258,365, C deleted. VCF-style (leftmost placement, unchanged base first): chr17-31258364-TC-T. GRCh37 (hg19) VCF-style: chr17-29585382-TC-T.
Other names: c.4132delC (NM_000267.3); c.4132delC, p.Gln1378Argfs (NM_000267.4); short protein forms Q1378fs, Q1399fs.
Identifiers: ClinVar variation 1738094 (VCV001738094.2), dbSNP rs2508407940, ClinGen allele CA2580092817.

ClinVar aggregate classification (germline): Pathogenic (1 of 4 stars; one submission).

Conditions:
Hereditary cancer-predisposing syndrome. Also called: Neoplastic Syndromes, Hereditary; Tumor predisposition; Hereditary Cancer Syndrome; Hereditary neoplastic syndrome. Identifiers: Orphanet 140162, MedGen C0027672, MeSH D009386, MONDO:0015356.
Cardiovascular phenotype. Identifiers: MedGen CN230736.

Submission:

Ambry Genetics
Classification: Pathogenic for Cardiovascular phenotype; Hereditary cancer-predisposing syndrome. Last evaluated: 2020-06-30. Review status: criteria provided, single submitter. Criteria: Ambry Variant Classification Scheme 2023. Collection method: clinical testing. Allele origin: germline.
Comment: The c.4132delC pathogenic mutation, located in coding exon 31 of the NF1 gene, results from a deletion of one nucleotide at nucleotide position 4132, causing a translational frameshift with a predicted alternate stop codon (p.Q1378Rfs*7). This alteration is expected to result in loss of function by premature protein truncation or nonsense-mediated mRNA decay. As such, this alteration is interpreted as a disease-causing mutation.